The following is an entry in ClinVar:

NM_005121.3(MED13):c.1967+38G>C

Gene: MED13 (mediator complex subunit 13; minus strand). Cytogenetic location: 17q23.2.
Variant type: single nucleotide variant.
Coding change: c.1967+38G>C on transcript NM_005121.3 (MANE Select); 38 bases into the intron after coding-DNA position 1967, G replaced by C.
Molecular consequence: intron variant.
Genome position (GRCh38, 1-based): chr17:62,010,512, C>G on the plus strand (G>C on the coding strand, the complement: MED13 is on the minus strand). VCF-style: chr17-62010512-C-G. GRCh37 (hg19) VCF-style: chr17-60087873-C-G.
Identifiers: ClinVar variation 3765660 (VCV003765660.1).
Genomic context (GRCh38, chr17:62,010,512, plus strand): 5'-TAAATCCTACCTTGAATCCAATACTGAGTCCTAGTATTAAGAACTTGCATCACTTCCACC[C>G]TTAAATTATAATGGTGACTATTAAAAAAAATACATACTCTGTAACTGATGTTACACTTTC-3'

ClinVar aggregate classification (germline): Uncertain significance (1 of 4 stars; one submission).

Submission:

Greenwood Genetic Center Diagnostic Laboratories, Greenwood Genetic Center
Classification: Uncertain significance. Last evaluated: 2024-07-09. Review status: criteria provided, single submitter. Criteria: ACMG Guidelines, 2015. Collection method: clinical testing. Allele origin: germline. Affected: yes.
Comment: PM2, BP4